The following is an entry in ClinVar:

NM_000321.3(RB1):c.2636T>C (p.Ile879Thr)

Gene: RB1 (RB transcriptional corepressor 1; plus strand). Cytogenetic location: 13q14.2.
Variant type: single nucleotide variant.
Coding change: c.2636T>C on transcript NM_000321.3 (MANE Select); coding-DNA position 2636, T replaced by C.
Protein change: p.Ile879Thr; replaces isoleucine 879 with threonine.
Molecular consequence: missense variant.
Genome position (GRCh38, 1-based): chr13:48,476,816, T>C. VCF-style: chr13-48476816-T-C. GRCh37 (hg19) VCF-style: chr13-49050952-T-C.
Other names: short protein forms I879T.
Identifiers: ClinVar variation 576957 (VCV000576957.16), dbSNP rs764140783, ClinGen allele CA249287972.

ClinVar aggregate classification (germline): Uncertain significance. Review status: criteria provided, multiple submitters, no conflicts (2 of 4 stars). 6 submissions from 6 submitters: Uncertain significance (6). Last evaluated 2025-05-25.

Conditions:
Hereditary cancer-predisposing syndrome. Also called: Tumor predisposition; Hereditary neoplastic syndrome; Hereditary Cancer Syndrome; Neoplastic Syndromes, Hereditary. Identifiers: Orphanet 140162, MedGen C0027672, MeSH D009386, MONDO:0015356.
Malignant tumor of urinary bladder. Also called: Urinary bladder cancer; Bladder cancer; Urinary Bladder Neoplasms. Identifiers: MedGen C0005684, MONDO:0001187, OMIM 109800.
Retinoblastoma (RB1). Also called: RETINOBLASTOMA, SOMATIC. Identifiers: Orphanet 790, MedGen C0035335, MeSH D012175, MONDO:0008380, OMIM 180200, HP:0009919. Disease mechanism: loss of function. Inheritance: Both sporadic and heritable forms are tested..

Allele frequency attached by ClinVar (database versions not stated): gnomAD exomes below 0.00001; gnomAD 0.00001; TOPMed 0.00001.
gnomAD v4.1: 3 of 1,613,562 alleles (0.00019%); highest among the groups gnomAD compares: Middle Eastern, 0.016%; no homozygotes.

Submissions (6):

Ambry Genetics
Classification: Uncertain significance for Hereditary cancer-predisposing syndrome. Last evaluated: 2025-05-25. Review status: criteria provided, single submitter. Criteria: Ambry Variant Classification Scheme 2023. Collection method: clinical testing. Allele origin: germline.
Comment: The p.I879T variant (also known as c.2636T>C), located in coding exon 25 of the RB1 gene, results from a T to C substitution at nucleotide position 2636. The isoleucine at codon 879 is replaced by threonine, an amino acid with similar properties. This amino acid position is well conserved in available vertebrate species. In addition, this alteration is predicted to be tolerated by in silico analysis. Based on the available evidence, the clinical significance of this variant remains unclear.

Labcorp Genetics (formerly Invitae), Labcorp
Classification: Uncertain significance for Retinoblastoma. Last evaluated: 2024-08-28. Review status: criteria provided, single submitter. Criteria: Invitae Variant Classification Sherloc (09022015). Collection method: clinical testing. Allele origin: germline.
Comment: This sequence change replaces isoleucine, which is neutral and non-polar, with threonine, which is neutral and polar, at codon 879 of the RB1 protein (p.Ile879Thr). This variant is not present in population databases (gnomAD no frequency). This variant has not been reported in the literature in individuals affected with RB1-related conditions. ClinVar contains an entry for this variant (Variation ID: 576957). Invitae Evidence Modeling of protein sequence and biophysical properties (such as structural, functional, and spatial information, amino acid conservation, physicochemical variation, residue mobility, and thermodynamic stability) indicates that this missense variant is not expected to disrupt RB1 protein function with a negative predictive value of 80%. In summary, the available evidence is currently insufficient to determine the role of this variant in disease. Therefore, it has been classified as a Variant of Uncertain Significance.

Color Diagnostics, LLC DBA Color Health
Classification: Uncertain significance for Retinoblastoma. Last evaluated: 2024-03-06. Review status: criteria provided, single submitter. Criteria: ACMG Guidelines, 2015. Collection method: clinical testing. Allele origin: germline.
Comment: This missense variant replaces isoleucine with threonine at codon 879 of the RB1 protein. Computational prediction suggests that this variant may not impact protein structure and function. To our knowledge, functional studies have not been reported for this variant. This variant has not been reported in individuals affected with RB1-related disorders in the literature. This variant has not been identified in the general population by the Genome Aggregation Database (gnomAD). The available evidence is insufficient to determine the role of this variant in disease conclusively. Therefore, this variant is classified as a Variant of Uncertain Significance.

All of Us Research Program, National Institutes of Health
Classification: Uncertain significance for Retinoblastoma. Last evaluated: 2023-08-15. Review status: criteria provided, single submitter. Criteria: ACMG Guidelines, 2015. Collection method: clinical testing. Allele origin: germline. Inheritance: Autosomal dominant inheritance. Observed: 1 variant allele, 1 heterozygote.
Comment: This missense variant replaces isoleucine with threonine at codon 879 of the RB1 protein. Computational prediction suggests that this variant may not impact protein structure and function (internally defined REVEL score threshold <= 0.5, PMID: 27666373). To our knowledge, functional studies have not been reported for this variant. This variant has not been reported in individuals affected with RB1-related disorders in the literature. This variant has not been identified in the general population by the Genome Aggregation Database (gnomAD). The available evidence is insufficient to determine the role of this variant in disease conclusively. Therefore, this variant is classified as a Variant of Uncertain Significance.

This study involves interpretation of variants in research participants for the purpose of population health screening. Participant phenotype was not available at the time of variant classification. Additional details can be found in publication PMID: 35346344, PMCID: PMC8962531

Baylor Genetics
Classification: Uncertain significance for Malignant tumor of urinary bladder. Last evaluated: 2023-05-24. Review status: criteria provided, single submitter. Criteria: ACMG Guidelines, 2015. Collection method: clinical testing. Allele origin: unknown.

GeneDx
Classification: Uncertain significance. Last evaluated: 2023-02-22. Review status: criteria provided, single submitter. Criteria: GeneDx Variant Classification Process June 2021. Collection method: clinical testing. Allele origin: germline. Affected: yes.
Comment: Not observed at significant frequency in large population cohorts (gnomAD); In silico analysis supports that this missense variant does not alter protein structure/function; Has not been previously published as pathogenic or benign to our knowledge; This variant is associated with the following publications: (PMID: 20694007)